The following is an entry in ClinVar:

NM_001042424.3(NSD2):c.1364A>G (p.Asp455Gly)

Gene: NSD2 (nuclear receptor binding SET domain protein 2; plus strand). Cytogenetic location: 4p16.3.
Variant type: single nucleotide variant.
Coding change: c.1364A>G on transcript NM_001042424.3 (MANE Select); coding-DNA position 1364, A replaced by G.
Protein change: p.Asp455Gly; replaces aspartic acid 455 with glycine.
Molecular consequence: missense variant.
Genome position (GRCh38, 1-based): chr4:1,918,577, A>G. VCF-style: chr4-1918577-A-G. GRCh37 (hg19) VCF-style: chr4-1920304-A-G.
Other names: c.1364A>G, p.Asp455Gly (NM_007331.2, NM_133330.3, NM_133331.3 and 2 more transcripts); short protein forms D455G.
Identifiers: ClinVar variation 3407978 (VCV003407978.2).
Genomic context (GRCh38, chr4:1,918,577, plus strand): 5'-TAGGGTCTCCTCCTGGGAGGAAGAAGACCACAGTCTCCATGCCACGAAGCAGGAAGGGAG[A>G]TGCAGCATCCCAGTTTTTGGTCTTCTGTCAAAAACACAGGGATGAGGTCAGTACTAAGTT-3'
Protein context (NP_001035889.1, residues 445-465): TVSMPRSRKG[Asp455Gly]AASQFLVFCQ

ClinVar aggregate classification (germline): Uncertain significance. Review status: criteria provided, multiple submitters, no conflicts (2 of 4 stars). 2 submissions from 2 submitters: Uncertain significance (2). Last evaluated 2025-10-14.

Conditions:
Inborn genetic diseases. Identifiers: MedGen C0950123, MeSH D030342.

gnomAD v4.1: 57 of 1,613,970 alleles (0.0035%); highest among the groups gnomAD compares: Non-Finnish European, 0.0047%; no homozygotes.

Submissions (2):

Labcorp Genetics (formerly Invitae), Labcorp
Classification: Uncertain significance. Last evaluated: 2025-10-14. Review status: criteria provided, single submitter. Criteria: Invitae Variant Classification Sherloc (09022015). Collection method: clinical testing. Allele origin: germline.
Comment: This sequence change replaces aspartic acid, which is acidic and polar, with glycine, which is neutral and non-polar, at codon 455 of the WHSC1 protein (p.Asp455Gly). This variant is present in population databases (rs551480723, gnomAD 0.003%). This variant has not been reported in the literature in individuals affected with WHSC1-related conditions. ClinVar contains an entry for this variant (Variation ID: 3407978). Invitae Evidence Modeling of protein sequence and biophysical properties (such as structural, functional, and spatial information, amino acid conservation, physicochemical variation, residue mobility, and thermodynamic stability) indicates that this missense variant is not expected to disrupt WHSC1 protein function with a negative predictive value of 80%. In summary, the available evidence is currently insufficient to determine the role of this variant in disease. Therefore, it has been classified as a Variant of Uncertain Significance.

Ambry Genetics
Classification: Uncertain significance for Inborn genetic diseases. Last evaluated: 2024-12-07. Review status: criteria provided, single submitter. Criteria: Ambry Variant Classification Scheme 2023. Collection method: clinical testing. Allele origin: germline.